The following is an entry in ClinVar:

ClinVar aggregate classification (germline): Uncertain significance (1 of 4 stars; one submission).

Conditions:
Cardiovascular phenotype. Identifiers: MedGen CN230736.

Submission:

Ambry Genetics
Classification: Uncertain significance for Cardiovascular phenotype. Last evaluated: 2019-09-26. Review status: criteria provided, single submitter. Criteria: Ambry Variant Classification Scheme 2023. Collection method: clinical testing. Allele origin: germline.
Comment: The p.T2005P variant (also known as c.6013A>C), located in coding exon 42 of the DMD gene, results from an A to C substitution at nucleotide position 6013. The threonine at codon 2005 is replaced by proline, an amino acid with highly similar properties. This amino acid position is not well conserved in available vertebrate species. In addition, this alteration is predicted to be tolerated by in silico analysis. Since supporting evidence is limited at this time, the clinical significance of this alteration remains unclear.

NM_004006.3(DMD):c.6013A>C (p.Thr2005Pro)

Gene: DMD (dystrophin; minus strand). Cytogenetic location: Xp21.1.
Variant type: single nucleotide variant.
Coding change: c.6013A>C on transcript NM_004006.3 (MANE Select); coding-DNA position 6013, A replaced by C.
Protein change: p.Thr2005Pro; replaces threonine 2005 with proline.
Molecular consequence: missense variant.
Genome position (GRCh38, 1-based): chrX:32,310,186, T>G on the plus strand (A>C on the coding strand, the complement: DMD is on the minus strand). VCF-style: chrX-32310186-T-G. GRCh37 (hg19) VCF-style: chrX-32328303-T-G.
Other names: c.5989A>C, p.Thr1997Pro (NM_000109.4); c.6001A>C, p.Thr2001Pro (NM_004009.3); c.5644A>C, p.Thr1882Pro (NM_004010.3); c.1990A>C, p.Thr664Pro (NM_004011.4); c.1981A>C, p.Thr661Pro (NM_004012.4); short protein forms T1882P, T661P, T1997P, T2001P, T2005P, T664P.
Identifiers: ClinVar variation 1751083 (VCV001751083.2), dbSNP rs2520268840, ClinGen allele CA412669834.